The following is an entry in ClinVar:

ClinVar aggregate classification (germline): Uncertain significance (1 of 4 stars; one submission).

Allele frequency attached by ClinVar (database versions not stated): ExAC 0.00001; gnomAD exomes 0.00002 and 0.00003; gnomAD 0.00007; ESP Exome Variant Server 0.00008; TOPMed 0.00009.
gnomAD v4.1: 59 of 1,613,768 alleles (0.0037%); highest among the groups gnomAD compares: African/African-American, 0.02%; no homozygotes.

Submission:

Labcorp Genetics (formerly Invitae), Labcorp
Classification: Uncertain significance. Last evaluated: 2022-06-27. Review status: criteria provided, single submitter. Criteria: Invitae Variant Classification Sherloc (09022015). Collection method: clinical testing. Allele origin: germline.
Comment: This sequence change replaces arginine, which is basic and polar, with cysteine, which is neutral and slightly polar, at codon 70 of the DGAT1 protein (p.Arg70Cys). This variant is present in population databases (rs376209496, gnomAD 0.02%). This variant has not been reported in the literature in individuals affected with DGAT1-related conditions. Algorithms developed to predict the effect of missense changes on protein structure and function are either unavailable or do not agree on the potential impact of this missense change (SIFT: "Deleterious"; PolyPhen-2: "Possibly Damaging"; Align-GVGD: "Class C15"). In summary, the available evidence is currently insufficient to determine the role of this variant in disease. Therefore, it has been classified as a Variant of Uncertain Significance.

NM_012079.6(DGAT1):c.208C>T (p.Arg70Cys)

Gene: DGAT1 (diacylglycerol O-acyltransferase 1; minus strand). Cytogenetic location: 8q24.3.
Variant type: single nucleotide variant.
Coding change: c.208C>T on transcript NM_012079.6 (MANE Select); coding-DNA position 208, C replaced by T.
Protein change: p.Arg70Cys; replaces arginine 70 with cysteine.
Molecular consequence: missense variant.
Genome position (GRCh38, 1-based): chr8:144,321,401, G>A on the plus strand (C>T on the coding strand, the complement: DGAT1 is on the minus strand). VCF-style: chr8-144321401-G-A. GRCh37 (hg19) VCF-style: chr8-145545064-G-A.
Other names: short protein forms R70C.
Identifiers: ClinVar variation 1406330 (VCV001406330.5), dbSNP rs376209496, ClinGen allele CA4937127.